The following is an entry in ClinVar:

ClinVar aggregate classification (germline): Benign/Likely benign. Review status: criteria provided, multiple submitters, no conflicts (2 of 4 stars). 9 submissions from 9 submitters: Benign (2); Likely benign (6). 1 of the submissions does not count toward it. Last evaluated 2026-01-20.

Conditions:
Inborn genetic diseases. Identifiers: MedGen C0950123, MeSH D030342.
Neuronal ceroid lipofuscinosis. Also called: Neuronal Ceroid Lipofuscinoses. Identifiers: Orphanet 216, Orphanet 79263, MedGen C0027877, MONDO:0016295. Disease mechanism: loss of function.
Neuronal ceroid lipofuscinosis 3 (CLN3). Identifiers: Orphanet 228346, MedGen C0751383, MONDO:0008767, OMIM 204200.

Allele frequency attached by ClinVar (database versions not stated): gnomAD exomes 0.00011 and 0.00035; ExAC 0.00049; gnomAD 0.00111 and 0.00115; TOPMed 0.00114; ESP Exome Variant Server 0.00115; 1000 Genomes Project 30x 0.00219; 1000 Genomes Project 0.00220.
gnomAD v4.1: 330 of 1,613,784 alleles (0.02%); highest among the groups gnomAD compares: African/African-American, 0.35%; 1 homozygote.

Submissions (9):

Labcorp Genetics (formerly Invitae), Labcorp
Classification: Benign for Neuronal ceroid lipofuscinosis. Last evaluated: 2026-01-20. Review status: criteria provided, single submitter. Criteria: Invitae Variant Classification Sherloc (09022015). Collection method: clinical testing. Allele origin: germline.

CeGaT Center for Human Genetics Tuebingen
Classification: Likely benign. Last evaluated: 2024-10-01. Review status: criteria provided, single submitter. Criteria: CeGaT Center For Human Genetics Tuebingen Variant Classification Criteria Version 2. Collection method: clinical testing. Allele origin: germline. Affected: yes. Observed: 1 variant allele.
Comment: CLN3: BP4, BP7

Blueprint Genetics
Classification: Likely benign. Last evaluated: 2023-10-14. Review status: criteria provided, single submitter. Criteria: ACMG Guidelines, 2015. Collection method: clinical testing. Allele origin: germline.

Illumina Laboratory Services, Illumina
Classification: Likely benign for Neuronal ceroid lipofuscinosis 3. Last evaluated: 2018-01-13. Review status: criteria provided, single submitter. Criteria: ICSL Variant Classification Criteria 13 December 2019. Collection method: clinical testing. Allele origin: germline.
Comment: This variant was observed in the ICSL laboratory as part of a predisposition screen in an ostensibly healthy population. It had not been previously curated by ICSL or reported in the Human Gene Mutation Database (HGMD: prior to June 1st, 2018), and was therefore a candidate for classification through an automated scoring system. Utilizing variant allele frequency, disease prevalence and penetrance estimates, and inheritance mode, an automated score was calculated to assess if this variant is too frequent to cause the disease. Based on the score and internal cut-off values, a variant classified as likely benign is not then subjected to further curation. The score for this variant resulted in a classification of likely benign for this disease.

Ambry Genetics
Classification: Likely benign for Inborn genetic diseases. Last evaluated: 2016-08-17. Review status: criteria provided, single submitter. Criteria: Ambry Variant Classification Scheme 2023. Collection method: clinical testing. Allele origin: germline.

Eurofins Ntd Llc (ga)
Classification: Likely benign. Last evaluated: 2015-03-31. Review status: criteria provided, single submitter. Criteria: EGL Classification Definitions 2015. Collection method: clinical testing. Allele origin: germline. Observed: 1 variant allele, 1 heterozygote.

GeneDx
Classification: Benign. Last evaluated: 2014-03-12. Review status: criteria provided, single submitter. Criteria: GeneDx Variant Classification (06012015). Collection method: clinical testing. Allele origin: germline. Affected: yes.
Comment: This variant is considered likely benign or benign based on one or more of the following criteria: it is a conservative change, it occurs at a poorly conserved position in the protein, it is predicted to be benign by multiple in silico algorithms, and/or has population frequency not consistent with disease.

Breakthrough Genomics
Classification: Likely benign. Review status: criteria provided, single submitter. Criteria: ACMG Guidelines, 2015. Collection method: not provided. Allele origin: germline. Inheritance: Autosomal recessive inheritance. Affected: yes.

Natera, Inc.
Classification: Benign for Neuronal ceroid lipofuscinosis. Last evaluated: 2019-06-19. Review status: no assertion criteria provided. Collection method: clinical testing. Allele origin: germline. Not counted in ClinVar's aggregate classification.

NM_001042432.2(CLN3):c.318C>T (p.Leu106=)

Gene: CLN3 (CLN3 lysosomal/endosomal transmembrane protein, battenin; minus strand). Cytogenetic location: 16p12.1.
Variant type: single nucleotide variant.
Coding change: c.318C>T on transcript NM_001042432.2 (MANE Select); coding-DNA position 318, C replaced by T.
Protein change: p.Leu106=; no amino-acid change (leucine 106 retained).
Molecular consequence: synonymous variant. On other transcripts: intron variant (1).
Genome position (GRCh38, 1-based): chr16:28,487,718, G>A on the plus strand (C>T on the coding strand, the complement: CLN3 is on the minus strand). VCF-style: chr16-28487718-G-A. GRCh37 (hg19) VCF-style: chr16-28499039-G-A.
Other names: p.L106L:CTC>CTT; c.318C>T, p.Leu106= (NM_000086.2); c.246C>T, p.Leu82= (NM_001286104.2); c.84C>T, p.Leu28= (NM_001286109.2); c.156C>T, p.Leu52= (NM_001286110.2); c.75-177C>T (NM_001286105.2).
Identifiers: ClinVar variation 136788 (VCV000136788.39), dbSNP rs148248159, ClinGen allele CA303034.